The following is an entry in ClinVar:

ClinVar aggregate classification (germline): Pathogenic (1 of 4 stars; one submission).

Submission:

Labcorp Genetics (formerly Invitae), Labcorp
Classification: Pathogenic. Last evaluated: 2021-10-04. Review status: criteria provided, single submitter. Criteria: Invitae Variant Classification Sherloc (09022015). Collection method: clinical testing. Allele origin: germline.
Comment: For these reasons, this variant has been classified as Pathogenic. This variant has not been reported in the literature in individuals affected with SLC39A4-related conditions. This variant is not present in population databases (ExAC no frequency). This sequence change creates a premature translational stop signal (p.Tyr103*) in the SLC39A4 gene. It is expected to result in an absent or disrupted protein product. Loss-of-function variants in SLC39A4 are known to be pathogenic (PMID: 12955721).

Literature cited by the submitters: PubMed 12955721.

NM_130849.4(SLC39A4):c.309C>A (p.Tyr103Ter)

Gene: SLC39A4 (solute carrier family 39 member 4; minus strand). Cytogenetic location: 8q24.3.
Variant type: single nucleotide variant.
Coding change: c.309C>A on transcript NM_130849.4 (MANE Select); coding-DNA position 309, C replaced by A.
Protein change: p.Tyr103Ter; replaces tyrosine 103 with a stop codon.
Molecular consequence: nonsense. On other transcripts: intron variant (1).
Genome position (GRCh38, 1-based): chr8:144,415,975, G>T on the plus strand (C>A on the coding strand, the complement: SLC39A4 is on the minus strand). VCF-style: chr8-144415975-G-T. GRCh37 (hg19) VCF-style: chr8-145641359-G-T.
Other names: c.193-556C>A (NM_001374839.1); c.234C>A, p.Tyr78Ter (NM_017767.3); short protein forms Y103*, Y78*.
Identifiers: ClinVar variation 1451263 (VCV001451263.6), dbSNP rs2130802603, ClinGen allele CA372625421.